The following is an entry in ClinVar:

NM_001370466.1(NOD2):c.704A>T (p.Asp235Val)

Gene: NOD2 (nucleotide binding oligomerization domain containing 2; plus strand). Cytogenetic location: 16q12.1.
Variant type: single nucleotide variant.
Coding change: c.704A>T on transcript NM_001370466.1 (MANE Select); coding-DNA position 704, A replaced by T.
Protein change: p.Asp235Val; replaces aspartic acid 235 with valine.
Molecular consequence: missense variant. On other transcripts: non-coding transcript variant (1).
Genome position (GRCh38, 1-based): chr16:50,710,696, A>T. VCF-style: chr16-50710696-A-T. GRCh37 (hg19) VCF-style: chr16-50744607-A-T.
Other names: c.704A>T, p.Asp235Val (NM_001293557.2); c.785A>T, p.Asp262Val (NM_022162.3); short protein forms D235V, D262V.
Identifiers: ClinVar variation 3754270 (VCV003754270.2).

ClinVar aggregate classification (germline): Uncertain significance (1 of 4 stars; one submission).

Conditions:
Regional enteritis. Also called: Enteritis, Granulomatous. Identifiers: MedGen C0678202, MeSH D003424.
Blau syndrome (BLAUS). Also called: ARTHROCUTANEOUVEAL GRANULOMATOSIS; GRANULOMATOSIS, FAMILIAL JUVENILE SYSTEMIC; GRANULOMATOSIS, FAMILIAL, BLAU TYPE; GRANULOMATOUS INFLAMMATORY ARTHRITIS, DERMATITIS, AND UVEITIS, FAMILIAL; JABS SYNDROME. Identifiers: Orphanet 90340, MedGen C5201146, MONDO:0008523, OMIM 186580.

gnomAD v4.1: 12 of 1,613,804 alleles (0.00074%); highest among the groups gnomAD compares: East Asian, 0.027%; no homozygotes.

Submission:

Labcorp Genetics (formerly Invitae), Labcorp
Classification: Uncertain significance for Regional enteritis; Blau syndrome. Last evaluated: 2024-03-17. Review status: criteria provided, single submitter. Criteria: Invitae Variant Classification Sherloc (09022015). Collection method: clinical testing. Allele origin: germline.
Comment: This sequence change replaces aspartic acid, which is acidic and polar, with valine, which is neutral and non-polar, at codon 262 of the NOD2 protein (p.Asp262Val). This variant is not present in population databases (gnomAD no frequency). This variant has not been reported in the literature in individuals affected with NOD2-related conditions. Advanced modeling of protein sequence and biophysical properties (such as structural, functional, and spatial information, amino acid conservation, physicochemical variation, residue mobility, and thermodynamic stability) performed at Invitae indicates that this missense variant is not expected to disrupt NOD2 protein function with a negative predictive value of 95%. In summary, the available evidence is currently insufficient to determine the role of this variant in disease. Therefore, it has been classified as a Variant of Uncertain Significance.